The following is an entry in ClinVar:

NM_001127178.3(PIGG):c.358A>G (p.Lys120Glu)

Gene: PIGG (phosphatidylinositol glycan anchor biosynthesis class G (EMM blood group); plus strand). Cytogenetic location: 4p16.3.
Variant type: single nucleotide variant.
Coding change: c.358A>G on transcript NM_001127178.3 (MANE Select); coding-DNA position 358, A replaced by G.
Protein change: p.Lys120Glu; replaces lysine 120 with glutamic acid.
Molecular consequence: missense variant. On other transcripts: 5 prime UTR variant (5), non-coding transcript variant (10).
Genome position (GRCh38, 1-based): chr4:500,599, A>G. VCF-style: chr4-500599-A-G. GRCh37 (hg19) VCF-style: chr4-494388-A-G.
Other names: c.91A>G, p.Lys31Glu (NM_001289051.2, NM_001289053.2, NM_001289057.2 and 2 more transcripts); c.358A>G, p.Lys120Glu (NM_001289052.2, NM_001345989.2, NM_017733.5); c.-79A>G (NM_001289055.2); c.-530A>G (NM_001345988.2); c.-1268A>G (NM_001345990.2); c.-1130A>G (NM_001345991.2); c.-855A>G (NM_001345994.2); short protein forms K31E, K120E.
Identifiers: ClinVar variation 1906100 (VCV001906100.5), dbSNP rs782321071, ClinGen allele CA2792959.

ClinVar aggregate classification (germline): Uncertain significance (1 of 4 stars; one submission).

Conditions:
Intellectual disability, autosomal recessive 53 (NEDHSCA). Also called: NEURODEVELOPMENTAL DISORDER WITH OR WITHOUT HYPOTONIA, SEIZURES, AND CEREBELLAR ATROPHY; GLYCOSYLPHOSPHATIDYLINOSITOL BIOSYNTHESIS DEFECT 13; Mental retardation, autosomal recessive 53. Identifiers: Orphanet 488635, MedGen C4310794, MONDO:0014832, OMIM 616917.

Allele frequency attached by ClinVar (database versions not stated): TOPMed below 0.00001; gnomAD exomes 0.00001; ExAC 0.00002.
gnomAD v4.1: 16 of 1,591,182 alleles (0.001%); highest among the groups gnomAD compares: Admixed American, 0.0033%; no homozygotes.

Submission:

Labcorp Genetics (formerly Invitae), Labcorp
Classification: Uncertain significance for Intellectual disability, autosomal recessive 53. Last evaluated: 2022-08-06. Review status: criteria provided, single submitter. Criteria: Invitae Variant Classification Sherloc (09022015). Collection method: clinical testing. Allele origin: germline.
Comment: This variant is present in population databases (rs782321071, gnomAD 0.003%). This sequence change replaces lysine, which is basic and polar, with glutamic acid, which is acidic and polar, at codon 120 of the PIGG protein (p.Lys120Glu). In summary, the available evidence is currently insufficient to determine the role of this variant in disease. Therefore, it has been classified as a Variant of Uncertain Significance. Algorithms developed to predict the effect of missense changes on protein structure and function (SIFT, PolyPhen-2, Align-GVGD) all suggest that this variant is likely to be disruptive. This variant has not been reported in the literature in individuals affected with PIGG-related conditions.